The following is an entry in ClinVar:

NM_001040142.2(SCN2A):c.1035-15C>G

Gene: SCN2A (sodium voltage-gated channel alpha subunit 2; plus strand). Cytogenetic location: 2q24.3.
Variant type: single nucleotide variant.
Coding change: c.1035-15C>G on transcript NM_001040142.2 (MANE Select); 15 bases into the intron before coding-DNA position 1035, C replaced by G.
Molecular consequence: intron variant.
Genome position (GRCh38, 1-based): chr2:165,313,605, C>G. VCF-style: chr2-165313605-C-G. GRCh37 (hg19) VCF-style: chr2-166170115-C-G.
Other names: c.1035-15C>G (NM_001040143.2, NM_001371246.1, NM_001371247.1 and 1 more transcripts).
Identifiers: ClinVar variation 207047 (VCV000207047.10), dbSNP rs761906987, ClinGen allele CA318098.

ClinVar aggregate classification (germline): Conflicting classifications of pathogenicity. Review status: criteria provided, conflicting classifications (1 of 4 stars). 3 submissions from 3 submitters: Uncertain significance (2); Likely benign (1). Last evaluated 2023-08-03.

Conditions:
Seizures, benign familial infantile, 3 (BFIS3). Also called: CONVULSIONS, BENIGN FAMILIAL INFANTILE, 3; Familial neonatal seizures. Identifiers: Orphanet 140927, Orphanet 306, MedGen C1843140, MONDO:0011904, OMIM 607745.
Developmental and epileptic encephalopathy, 11 (DEE11). Also called: Early infantile epileptic encephalopathy 11. Identifiers: Orphanet 1934, MedGen C3150987, MONDO:0013388, OMIM 613721.

Allele frequency attached by ClinVar (database versions not stated): gnomAD 0.00001; TOPMed 0.00001.
gnomAD v4.1: 60 of 1,612,984 alleles (0.0037%); highest among the groups gnomAD compares: Non-Finnish European, 0.0051%; no homozygotes.

Submissions (3):

Labcorp Genetics (formerly Invitae), Labcorp
Classification: Likely benign for Seizures, benign familial infantile, 3; Developmental and epileptic encephalopathy, 11. Last evaluated: 2023-08-03. Review status: criteria provided, single submitter. Criteria: Invitae Variant Classification Sherloc (09022015). Collection method: clinical testing. Allele origin: germline.

Illumina Laboratory Services, Illumina
Classification: Uncertain significance for Seizures, benign familial infantile, 3. Last evaluated: 2018-01-12. Review status: criteria provided, single submitter. Criteria: ICSL Variant Classification Criteria 13 December 2019. Collection method: clinical testing. Allele origin: germline.

GeneDx
Classification: Uncertain significance. Last evaluated: 2015-12-02. Review status: criteria provided, single submitter. Criteria: GeneDx Variant Classification (06012015). Collection method: clinical testing. Allele origin: germline. Affected: yes.
Comment: c.1035-15 C>G: IVS8-15 C>G in intron 8 of the SCN2A gene (NM_021007.2). A variant of unknown significance has been identified in the SCN2A gene. The c.1035-15 C>G variant has not been published as a mutation, nor has it been reported as a benign polymorphism to our knowledge. The c.1035-15 C>G variant was not observed in approximately 6,500 individuals of European and African American ancestry in the NHLBI Exome Sequencing Project, indicating it is not a common benign variant in these populations. Several in-silico splice prediction models predict that c.1035-15 C>G may damage or destroy the natural acceptor site and lead to abnormal gene splicing. However, in the absence of RNA/functional studies, the actual effect of this sequence change is unknown. Therefore, based on the currently available information, it is unclear whether this variant is a pathogenic mutation or a rare benign variant. The variant is found in INFANT-EPI panel(s).